The following is an entry in ClinVar:

ClinVar aggregate classification (germline): Uncertain significance (1 of 4 stars; one submission).

Conditions:
Ichthyosis linearis circumflexa. Identifiers: MedGen C0265962, MONDO:0043106, HP:0025810.

Submission:

Labcorp Genetics (formerly Invitae), Labcorp
Classification: Uncertain significance for Ichthyosis linearis circumflexa. Last evaluated: 2022-07-03. Review status: criteria provided, single submitter. Criteria: Invitae Variant Classification Sherloc (09022015). Collection method: clinical testing. Allele origin: germline.
Comment: This variant has not been reported in the literature in individuals affected with SPINK5-related conditions. This variant is not present in population databases (gnomAD no frequency). This sequence change replaces aspartic acid, which is acidic and polar, with asparagine, which is neutral and polar, at codon 793 of the SPINK5 protein (p.Asp793Asn). Algorithms developed to predict the effect of missense changes on protein structure and function are either unavailable or do not agree on the potential impact of this missense change (SIFT: "Deleterious"; PolyPhen-2: "Probably Damaging"; Align-GVGD: "Class C0"). In summary, the available evidence is currently insufficient to determine the role of this variant in disease. Therefore, it has been classified as a Variant of Uncertain Significance.

NM_006846.4(SPINK5):c.2377G>A (p.Asp793Asn)

Gene: SPINK5 (serine peptidase inhibitor Kazal type 5; plus strand). Cytogenetic location: 5q32.
Variant type: single nucleotide variant.
Coding change: c.2377G>A on transcript NM_006846.4 (MANE Select); coding-DNA position 2377, G replaced by A.
Protein change: p.Asp793Asn; replaces aspartic acid 793 with asparagine.
Molecular consequence: missense variant.
Genome position (GRCh38, 1-based): chr5:148,120,072, G>A. VCF-style: chr5-148120072-G-A. GRCh37 (hg19) VCF-style: chr5-147499635-G-A.
Other names: c.2377G>A, p.Asp793Asn (NM_001127698.2, NM_001127699.2); short protein forms D793N.
Identifiers: ClinVar variation 2013696 (VCV002013696.4), dbSNP rs2531787419, ClinGen allele CA361646264.